The following is an entry in ClinVar:

NM_001243226.3(TCF4):c.287-1362T>C

Gene: TCF4 (transcription factor 4; minus strand). Cytogenetic location: 18q21.2.
Variant type: single nucleotide variant.
Coding change: c.287-1362T>C on transcript NM_001243226.3; 1362 bases into the intron before coding-DNA position 287, T replaced by C.
Molecular consequence: intron variant. On other transcripts: missense variant (1), 5 prime UTR variant (3).
Genome position (GRCh38, 1-based): chr18:55,588,498, A>G on the plus strand (T>C on the coding strand, the complement: TCF4 is on the minus strand). VCF-style: chr18-55588498-A-G. GRCh37 (hg19) VCF-style: chr18-53255729-A-G.
Other names: c.38T>C, p.Ile13Thr (NM_001243230.2); c.-49T>C (NM_001369568.1, NM_001369569.1, NM_001369572.1); c.-1+799T>C (NM_001369584.1, NM_001369576.1, NM_001369577.1 and 3 more transcripts); c.-21+799T>C (NM_001369571.1, NM_001369567.1, NM_001243228.2); short protein forms I13T.
Identifiers: ClinVar variation 4281109 (VCV004281109.7).
Genomic context (GRCh38, chr18:55,588,498, plus strand): 5'-CCAAAAAATACAAACGAAAATTCATCGAGCACCTCATTTTTCCTCAGATCGTCAGTTACA[A>G]TCTGAAGCCTGAACAGTTCAGTTTTTGCCCGTTGCATCCCTCGGAGGCACTTTGAAATTT-3'

ClinVar aggregate classification (germline): Likely benign (1 of 4 stars; one submission).

gnomAD v4.1: 44 of 1,535,260 alleles (0.0029%); highest among the groups gnomAD compares: East Asian, 0.056%; no homozygotes.

Submission:

CeGaT Center for Human Genetics Tuebingen
Classification: Likely benign. Last evaluated: 2025-09-01. Review status: criteria provided, single submitter. Criteria: CeGaT Center For Human Genetics Tuebingen Variant Classification Criteria Version 2. Collection method: clinical testing. Allele origin: germline. Affected: yes. Observed: 1 variant allele.
Comment: TCF4: PP2, BS2